The following is an entry in ClinVar:

ClinVar aggregate classification (germline): Uncertain significance (1 of 4 stars; one submission).

Submission:

Labcorp Genetics (formerly Invitae), Labcorp
Classification: Uncertain significance. Last evaluated: 2022-08-22. Review status: criteria provided, single submitter. Criteria: Invitae Variant Classification Sherloc (09022015). Collection method: clinical testing. Allele origin: germline.
Comment: This variant has not been reported in the literature in individuals affected with VPS13A-related conditions. Algorithms developed to predict the effect of missense changes on protein structure and function are either unavailable or do not agree on the potential impact of this missense change (SIFT: "Tolerated"; PolyPhen-2: "Probably Damaging"; Align-GVGD: "Class C0"). In summary, the available evidence is currently insufficient to determine the role of this variant in disease. Therefore, it has been classified as a Variant of Uncertain Significance. This variant is not present in population databases (gnomAD no frequency). This sequence change replaces threonine, which is neutral and polar, with isoleucine, which is neutral and non-polar, at codon 1469 of the VPS13A protein (p.Thr1469Ile).

NM_033305.3(VPS13A):c.4406C>T (p.Thr1469Ile)

Gene: VPS13A (vacuolar protein sorting 13 homolog A; plus strand). Cytogenetic location: 9q21.2.
Variant type: single nucleotide variant.
Coding change: c.4406C>T on transcript NM_033305.3 (MANE Select); coding-DNA position 4406, C replaced by T.
Protein change: p.Thr1469Ile; replaces threonine 1469 with isoleucine.
Molecular consequence: missense variant.
Genome position (GRCh38, 1-based): chr9:77,314,658, C>T. VCF-style: chr9-77314658-C-T. GRCh37 (hg19) VCF-style: chr9-79929574-C-T.
Other names: c.4289C>T, p.Thr1430Ile (NM_001018037.2); c.4406C>T, p.Thr1469Ile (NM_001018038.3, NM_015186.4); short protein forms T1430I, T1469I.
Identifiers: ClinVar variation 2162665 (VCV002162665.4), dbSNP rs2537980288, ClinGen allele CA373855528.
Genomic context (GRCh38, chr9:77,314,658, plus strand): 5'-CTTCCTTCTCATTAAAAAACTGTATTTTAGATGATAAAAGACCTCATGTCAAGAAAGCAA[C>T]TCCTCGGTATGTATTGTAATGATGTTCTAAGGTTTTACTTGAGAAATCGTTGATATATTT-3'
Protein context (NP_150648.2, residues 1459-1479): DDKRPHVKKA[Thr1469Ile]PRMIGLTVGF